The following is an entry in ClinVar:

NM_001034853.2(RPGR):c.179G>T (p.Gly60Val)

Gene: RPGR (retinitis pigmentosa GTPase regulator; minus strand). Cytogenetic location: Xp11.4.
Variant type: single nucleotide variant.
Coding change: c.179G>T on transcript NM_001034853.2 (MANE Select); coding-DNA position 179, G replaced by T.
Protein change: p.Gly60Val; replaces glycine 60 with valine.
Molecular consequence: missense variant. On other transcripts: non-coding transcript variant (6).
Genome position (GRCh38, 1-based): chrX:38,322,921, C>A on the plus strand (G>T on the coding strand, the complement: RPGR is on the minus strand). VCF-style: chrX-38322921-C-A. GRCh37 (hg19) VCF-style: chrX-38182174-C-A.
Other names: NM_001034853.2(RPGR):c.179G>T; c.179G>T, p.Gly60Val (NM_000328.3, NM_001367245.1, NM_001367246.1 and 4 more transcripts); c.209G>T, p.Gly70Val (NM_001367248.1); short protein forms G60V, G70V.
Identifiers: ClinVar variation 9902 (VCV000009902.24), dbSNP rs62638634, ClinGen allele CA226376.

ClinVar aggregate classification (germline): Likely pathogenic. Review status: reviewed by expert panel (3 of 4 stars). 8 submissions from 8 submitters: Likely pathogenic (1). 7 of the submissions do not count toward it. Last evaluated 2025-05-20.

Conditions:
RPGR-related disorder. Also called: RPGR-related condition.
RPGR-related retinopathy. Also called: RPGR retinopathy. Identifiers: MedGen CN305589, MONDO:0100437.
Primary ciliary dyskinesia. Also called: Ciliary dyskinesia. Identifiers: Orphanet 244, MedGen C0008780, MONDO:0016575, HP:0012265.
Retinitis pigmentosa 3. Also called: CHOROIDORETINAL DEGENERATION WITH RETINAL REFLEX IN HETEROZYGOUS WOMEN. Identifiers: Orphanet 791, MedGen C1845667, MONDO:0010227, OMIM 300029.

Submissions (8):

ClinGen X-linked Inherited Retinal Disease Variant Curation Expert Panel, ClinGen
Classification: Likely pathogenic for RPGR-related retinopathy. Last evaluated: 2025-05-20. Review status: reviewed by expert panel. Criteria: ClinGen X LinkedIRD ACMG Specifications RPGR V1.0.0. Collection method: curation. Allele origin: germline. Inheritance: X-linked inheritance.
Comment: NM_001034853.2(RPGR):c.179G>T (p.Gly60Val) is a missense variant that replaces glycine with valine at amino acid 60. This variant is absent from hemizygous individuals in gnomAD v4.1.0 (PM2_supporting). At least one proband harboring this variant exhibits a phenotype including family history consistent with X-linked inheritance (2 pts) with delayed or milder phenotype in females (1 pt), visual field reduction (0.5 pts), central vision problem (0.5 pts) since 6 years of age (1 pt), poor night vision (0.5 pts), pigmentary retinopathy (0.5 pts), and nondetectable electroretinogram responses, which together are specific for RPGR-related retinopathy (6 points, PMID: 9855162, PP4). This variant has been reported in other publications, however, the ability to conclude that the probands described are unrelated was not successful (PMIDs: 28559085, 10937588, 34985506, 9399904, 9855162). The variant has been reported to segregate with retinal dystrophy through at least 4 meioses from at least 1 family (PP1_moderate; PMID: [9855162]). The computational predictor REVEL gives a score of 0.98, which is above the ClinGen X-linked IRD VCEP threshold of ≥ 0.932 and predicts a damaging effect on RPGR function (PP3_strong). The computational splicing predictor SpliceAI gives a delta score of 0.19 for acceptor loss, which is below the ClinGen X-linked IRD VCEP threshold of >0.2 and does not predict that the variant disrupts RPGR splicing. Exogenously expressed RPGR harboring the variant exhibits reduced interaction with RPGRIP1 in a yeast-2-hybrid experiment (PMID: 23213406, 23213406, PS3_supporting). In summary, this variant is classified as likely pathogenic for RPGR-related retinopathy based on the ClinGen X-linked Inherited Retinal Disease Expert Panel Specifications to the ACMG/AMP Variant Interpretation Guidelines for RPGR Version 1.0.0; PM2_supporting, PP1_moderate, PP3_strong, PS3_supporting, and PP4. (date of approval 05/16/2025).

PreventionGenetics, part of Exact Sciences
Classification: Pathogenic for RPGR-related condition. Last evaluated: 2026-03-17. Review status: criteria provided, single submitter. Criteria: ACMG Guidelines, 2015. Collection method: clinical testing. Allele origin: germline. Not counted in ClinVar's aggregate classification.
Comment: The RPGR c.179G>T variant is predicted to result in the amino acid substitution p.Gly60Val. This variant has been reported in individuals with retinitis pigmentosa (Buraczynska et al. 1997. PubMedID: 9399904; Sharon et al. 2003. PubMed ID: 14564670; Table S3, Tuupanen et al. 2022. PubMed ID: 34985506). An in silico functional study suggests this variant causes misfolding of a particular domain of the protein (Patil et al. 2012. PubMed ID: 23213406). This variant is absent in a large population database (gnomAD). Given the evidence, we interpret this variant as pathogenic.

Labcorp Genetics (formerly Invitae), Labcorp
Classification: Pathogenic for Primary ciliary dyskinesia. Last evaluated: 2026-01-21. Review status: criteria provided, single submitter. Criteria: Invitae Variant Classification Sherloc (09022015). Collection method: clinical testing. Allele origin: germline. Not counted in ClinVar's aggregate classification.
Comment: This sequence change replaces glycine, which is neutral and non-polar, with valine, which is neutral and non-polar, at codon 60 of the RPGR protein (p.Gly60Val). This variant is not present in population databases (gnomAD no frequency). This missense change has been observed in individuals with retinitis pigmentosa (PMID: 9399904, 9855162, 10937588). It has also been observed to segregate with disease in related individuals. ClinVar contains an entry for this variant (Variation ID: 9902). Invitae Evidence Modeling of protein sequence and biophysical properties (such as structural, functional, and spatial information, amino acid conservation, physicochemical variation, residue mobility, and thermodynamic stability) indicates that this missense variant is expected to disrupt RPGR protein function with a positive predictive value of 95%. Experimental studies have shown that this missense change does not substantially affect RPGR function (PMID: 19815619, 20631154). Algorithms developed to predict the effect of sequence changes on RNA splicing suggest that this variant may disrupt the consensus splice site. For these reasons, this variant has been classified as Pathogenic.

GeneDx
Classification: Pathogenic. Last evaluated: 2025-01-10. Review status: criteria provided, single submitter. Criteria: GeneDx Variant Classification Process June 2021. Collection method: clinical testing. Allele origin: germline. Affected: yes. Not counted in ClinVar's aggregate classification.
Comment: Not observed at significant frequency in large population cohorts (gnomAD); In silico analysis supports that this missense variant has a deleterious effect on protein structure/function; This variant is associated with the following publications: (PMID: 23536988, 10937588, 28559085, 10958647, 19815619, 20631154, 23213406, 38586605, 34985506, 9399904, 9855162)

Blueprint Genetics
Classification: Pathogenic for RPGR-related disorders. Last evaluated: 2022-11-18. Review status: criteria provided, single submitter. Criteria: ACMG Guidelines, 2015. Collection method: clinical testing. Allele origin: germline. Affected: yes. Observed: 5 variant alleles. Not counted in ClinVar's aggregate classification.

ARUP Laboratories, Molecular Genetics and Genomics, ARUP Laboratories
Classification: Pathogenic. Last evaluated: 2019-09-16. Review status: criteria provided, single submitter. Criteria: ARUP Molecular Germline Variant Investigation Process. Collection method: clinical testing. Allele origin: germline. Not counted in ClinVar's aggregate classification.
Comment: The RPGR c.179G>T; p.Gly60Val variant (rs62638634) has been reported in several individuals with X-linked retinitis pigmentosa (Buraczynska 1997, Sharon 2000, Stone 2017) and has been reported to segregate with disease in at least one family (Fishman 1998). The variant is reported in the ClinVar database (Variation ID: 9902) but is absent from general population databases (Exome Variant Server, Genome Aggregation Database), indicating it is not a common polymorphism. The glycine at codon 60 is highly conserved, computational algorithms (PolyPhen-2, SIFT) predict this variant is deleterious, and structural analysis predicts this amino acid is critical in protein function and the variant causes reduced protein interaction (Patil 2012). Considering available information, this variant is classified as pathogenic. References: Buraczynska M et al. Spectrum of mutations in the RPGR gene that are identified in 20% of families with X-linked retinitis pigmentosa. Am J Hum Genet. 1997 Dec;61(6):1287-92. Fishman GA et al. X-linked retinitis pigmentosa in two families with a missense mutation in the RPGR gene and putative change of glycine to valine at codon 60. Ophthalmology. 1998 Dec;105(12):2286-96. Patil H et al. Structural and functional plasticity of subcellular tethering, targeting and processing of RPGRIP1 by RPGR isoforms. Biol Open. 2012 Feb 15;1(2):140-60. Sharon D et al. X-linked retinitis pigmentosa: mutation spectrum of the RPGR and RP2 genes and correlation with visual function. Invest Ophthalmol Vis Sci. 2000 Aug;41(9):2712-21. Stone EM et al. Clinically Focused Molecular Investigation of 1000 Consecutive Families with Inherited Retinal Disease. Ophthalmology. 2017 Sep;124(9):1314-1331.

OMIM
Classification: Pathogenic for RETINITIS PIGMENTOSA 3. Last evaluated: 1998-12-01. Review status: no assertion criteria provided. Collection method: literature only. Allele origin: germline. Not counted in ClinVar's aggregate classification.

Retina International
No classification provided. Review status: no classification provided. Collection method: not provided. Allele origin: unknown. Not counted in ClinVar's aggregate classification.

Literature cited by the submitters: PubMed 23213406 (cited by ClinGen X-linked Inherited Retinal Disease Variant Curation Expert Panel, ClinGen); PubMed 9399904 (cited by Labcorp Genetics (formerly Invitae), Labcorp and OMIM); PubMed 9855162 (cited by Labcorp Genetics (formerly Invitae), Labcorp and OMIM); PubMed 10937588 (cited by Labcorp Genetics (formerly Invitae), Labcorp); PubMed 19815619 (cited by Labcorp Genetics (formerly Invitae), Labcorp); PubMed 20631154 (cited by Labcorp Genetics (formerly Invitae), Labcorp).